The following is an entry in ClinVar:

ClinVar aggregate classification (germline): Conflicting classifications of pathogenicity. Review status: criteria provided, conflicting classifications (1 of 4 stars). 4 submissions from 4 submitters: Uncertain significance (2); Benign (1); Likely benign (1). Last evaluated 2025-07-29.

Conditions:
Lymphatic malformation 6 (LMPHM6). Also called: PIEZO1-related generalized lymphatic dysplasia with non-immune hydrops fetalis; GENERALIZED LYMPHATIC DYSPLASIA OF FOTIOU; Lymphedema, hereditary, III. Identifiers: Orphanet 568062, MedGen C4225184, MONDO:0014797, OMIM 616843.

Allele frequency attached by ClinVar (database versions not stated): TOPMed 0.00016; ExAC 0.00015; gnomAD 0.00021.
gnomAD v4.1: 71 of 1,544,174 alleles (0.0046%); highest among the groups gnomAD compares: African/African-American, 0.053%; no homozygotes.

Submissions (4):

Labcorp Genetics (formerly Invitae), Labcorp
Classification: Benign. Last evaluated: 2025-07-29. Review status: criteria provided, single submitter. Criteria: Invitae Variant Classification Sherloc (09022015). Collection method: clinical testing. Allele origin: germline.

ARUP Laboratories, Molecular Genetics and Genomics, ARUP Laboratories
Classification: Likely benign. Last evaluated: 2025-06-06. Review status: criteria provided, single submitter. Criteria: ARUP Molecular Germline Variant Investigation Process 2024. Collection method: clinical testing. Allele origin: germline.

Revvity Omics, Revvity
Classification: Uncertain significance. Last evaluated: 2024-06-18. Review status: criteria provided, single submitter. Criteria: ACMG Guidelines, 2015. Collection method: clinical testing. Allele origin: germline.

Clinical Genomics Laboratory, Washington University in St. Louis
Classification: Uncertain significance for Lymphatic malformation 6. Last evaluated: 2023-12-08. Review status: criteria provided, single submitter. Criteria: ACMG Guidelines, 2015. Collection method: clinical testing. Allele origin: germline.
Comment: The PIEZO1 c.3324C>T (p.Cys1108=) variant was identified at a near heterozygous allelic fraction of 48.95%, a frequency which may be consistent with it being of germline origin. This variant, to our knowledge, has not been reported in the medical literature. Computational predictors are uncertain as to the impact of this variant on PIEZO1 function. Due to limited information, and based on ACMG/AMP guidelines for variant interpretation (Richards S et al., PMID: 25741868), the clinical significance of this variant is uncertain at this time.

NM_001142864.4(PIEZO1):c.3324C>T (p.Cys1108=)

Gene: PIEZO1 (piezo type mechanosensitive ion channel component 1 (Er blood group); minus strand). Cytogenetic location: 16q24.3.
Variant type: single nucleotide variant.
Coding change: c.3324C>T on transcript NM_001142864.4 (MANE Select); coding-DNA position 3324, C replaced by T.
Protein change: p.Cys1108=; no amino-acid change (cysteine 1108 retained).
Molecular consequence: synonymous variant.
Genome position (GRCh38, 1-based): chr16:88,727,170, G>A on the plus strand (C>T on the coding strand, the complement: PIEZO1 is on the minus strand). VCF-style: chr16-88727170-G-A. GRCh37 (hg19) VCF-style: chr16-88793578-G-A.
Other names: c.1866C>T, p.Cys622= (NM_014745.1).
Identifiers: ClinVar variation 2920847 (VCV002920847.6), dbSNP rs746126066, ClinGen allele CA8232515.